The following is an entry in ClinVar:

NM_001288705.3(CSF1R):c.2007C>T (p.Gly669=)

Gene: CSF1R (colony stimulating factor 1 receptor; minus strand). Cytogenetic location: 5q32.
Variant type: single nucleotide variant.
Coding change: c.2007C>T on transcript NM_001288705.3 (MANE Select); coding-DNA position 2007, C replaced by T.
Protein change: p.Gly669=; no amino-acid change (glycine 669 retained).
Molecular consequence: synonymous variant.
Genome position (GRCh38, 1-based): chr5:150,059,825, G>A on the plus strand (C>T on the coding strand, the complement: CSF1R is on the minus strand). VCF-style: chr5-150059825-G-A. GRCh37 (hg19) VCF-style: chr5-149439388-G-A.
Other names: c.2007C>T (NM_005211.3); c.2007C>T, p.Gly669= (NM_001349736.2, NM_001375320.1, NM_005211.4); c.1563C>T, p.Gly521= (NM_001375321.1).
Identifiers: ClinVar variation 1468836 (VCV001468836.24), dbSNP rs779661379, ClinGen allele CA3506602.

ClinVar aggregate classification (germline): Likely benign. Review status: criteria provided, multiple submitters, no conflicts (2 of 4 stars). 3 submissions from 3 submitters: Likely benign (2). 1 of the submissions does not count toward it. Last evaluated 2025-01-01.

Conditions:
CSF1R-related disorder. Also called: CSF1R-related condition. Identifiers: MedGen CN379780, MONDO:0100632.

Allele frequency attached by ClinVar (database versions not stated): gnomAD exomes 0.00001 and 0.00002; TOPMed 0.00002; ExAC 0.00003.
gnomAD v4.1: 18 of 1,614,116 alleles (0.0011%); highest among the groups gnomAD compares: Middle Eastern, 0.017%; no homozygotes.

Submissions (4):

CeGaT Center for Human Genetics Tuebingen
Classification: Likely benign. Last evaluated: 2025-01-01. Review status: criteria provided, single submitter. Criteria: CeGaT Center For Human Genetics Tuebingen Variant Classification Criteria Version 2. Collection method: clinical testing. Allele origin: germline. Affected: yes. Observed: 1 variant allele.
Comment: CSF1R: BP4, BP7

Labcorp Genetics (formerly Invitae), Labcorp
Classification: Likely benign. Last evaluated: 2024-07-17. Review status: criteria provided, single submitter. Criteria: Invitae Variant Classification Sherloc (09022015). Collection method: clinical testing. Allele origin: germline.

PreventionGenetics, part of Exact Sciences
Classification: Likely benign for CSF1R-related condition. Last evaluated: 2022-09-08. Review status: no assertion criteria provided. Collection method: clinical testing. Allele origin: germline. Not counted in ClinVar's aggregate classification.
Comment: This variant is classified as likely benign based on ACMG/AMP sequence variant interpretation guidelines (Richards et al. 2015 PMID: 25741868, with internal and published modifications).

Dr. Peter K. Rogan Lab, Western University
No classification provided (evidence only). Condition: Glioma susceptibility 1. Review status: no classification provided. Collection method: in vitro. Allele origin: not applicable. Functional consequence: retained intron. Not counted in ClinVar's aggregate classification.